The following is an entry in ClinVar:

NM_000127.3(EXT1):c.2065G>T (p.Ala689Ser)

Gene: EXT1 (exostosin glycosyltransferase 1; minus strand). Cytogenetic location: 8q24.11.
Variant type: single nucleotide variant.
Coding change: c.2065G>T on transcript NM_000127.3 (MANE Select); coding-DNA position 2065, G replaced by T.
Protein change: p.Ala689Ser; replaces alanine 689 with serine.
Molecular consequence: missense variant.
Genome position (GRCh38, 1-based): chr8:117,799,888, C>A on the plus strand (G>T on the coding strand, the complement: EXT1 is on the minus strand). VCF-style: chr8-117799888-C-A. GRCh37 (hg19) VCF-style: chr8-118812127-C-A.
Other names: short protein forms A689S.
Identifiers: ClinVar variation 2885712 (VCV002885712.3), dbSNP rs1336352739, ClinGen allele CA371890338.
Genomic context (GRCh38, chr8:117,799,888, plus strand): 5'-CAAACGTATTCATGCAGCTCTGTCGCTGGGCAAAGTGGTCAGGGTCAGCCCAACGGGAAG[C>A]CCGAGAAGTCTAGGGAGAAGGAGAGAAACAAGGATAATGATGAGAGAAGTGCAAGGTGAG-3'
Protein context (NP_000118.2, residues 679-699): KETMMGQTSR[Ala689Ser]SRWADPDHFA

ClinVar aggregate classification (germline): Uncertain significance (1 of 4 stars; one submission).

Conditions:
Multiple congenital exostosis (EXT). Also called: Hereditary multiple osteochondromas; Multiple exostoses; Multiple osteochondromas; MULTIPLE CARTILAGINOUS EXOSTOSES; Hereditary multiple exostoses; Hereditary multiple exostosis. Identifiers: Orphanet 321, MedGen C0015306, MONDO:0005508, HP:0002762.

Submission:

Labcorp Genetics (formerly Invitae), Labcorp
Classification: Uncertain significance for Multiple congenital exostosis. Last evaluated: 2023-04-17. Review status: criteria provided, single submitter. Criteria: Invitae Variant Classification Sherloc (09022015). Collection method: clinical testing. Allele origin: germline.
Comment: In summary, the available evidence is currently insufficient to determine the role of this variant in disease. Therefore, it has been classified as a Variant of Uncertain Significance. Advanced modeling of protein sequence and biophysical properties (such as structural, functional, and spatial information, amino acid conservation, physicochemical variation, residue mobility, and thermodynamic stability) has been performed at Invitae for this missense variant, however the output from this modeling did not meet the statistical confidence thresholds required to predict the impact of this variant on EXT1 protein function. This variant has not been reported in the literature in individuals affected with EXT1-related conditions. This variant is not present in population databases (gnomAD no frequency). This sequence change replaces alanine, which is neutral and non-polar, with serine, which is neutral and polar, at codon 689 of the EXT1 protein (p.Ala689Ser).